The following is an entry in ClinVar:

ClinVar aggregate classification (germline): Uncertain significance (1 of 4 stars; one submission).

Conditions:
Epileptic encephalopathy. Identifiers: MedGen C0543888, HP:0200134.

Submission:

Labcorp Genetics (formerly Invitae), Labcorp
Classification: Uncertain significance for Epileptic encephalopathy. Last evaluated: 2021-08-07. Review status: criteria provided, single submitter. Criteria: Invitae Variant Classification Sherloc (09022015). Collection method: clinical testing. Allele origin: germline.
Comment: In summary, the available evidence is currently insufficient to determine the role of this variant in disease. Therefore, it has been classified as a Variant of Uncertain Significance. Algorithms developed to predict the effect of missense changes on protein structure and function are either unavailable or do not agree on the potential impact of this missense change (SIFT: "Deleterious"; PolyPhen-2: "Probably Damaging"; Align-GVGD: "Class C0"). This variant has not been reported in the literature in individuals affected with GABBR2-related conditions. This variant is not present in population databases (ExAC no frequency). This sequence change replaces alanine with valine at codon 143 of the GABBR2 protein (p.Ala143Val). The alanine residue is weakly conserved and there is a small physicochemical difference between alanine and valine.

NM_005458.8(GABBR2):c.428C>T (p.Ala143Val)

Gene: GABBR2 (gamma-aminobutyric acid type B receptor subunit 2; minus strand). Cytogenetic location: 9q22.33.
Variant type: single nucleotide variant.
Coding change: c.428C>T on transcript NM_005458.8 (MANE Select); coding-DNA position 428, C replaced by T.
Protein change: p.Ala143Val; replaces alanine 143 with valine.
Molecular consequence: missense variant.
Genome position (GRCh38, 1-based): chr9:98,577,966, G>A on the plus strand (C>T on the coding strand, the complement: GABBR2 is on the minus strand). VCF-style: chr9-98577966-G-A. GRCh37 (hg19) VCF-style: chr9-101340248-G-A.
Other names: short protein forms A143V.
Identifiers: ClinVar variation 1373167 (VCV001373167.6), dbSNP rs2131780419, ClinGen allele CA374350024.
Genomic context (GRCh38, chr9:98,577,966, plus strand): 5'-CCCACAAAAGAAGGTAGCTCAGACCTTACCTGCACCAGATTCCAGCCTTGGAGGGACTCT[G>A]CAATGATGGATGTGACGGATGGACAGACGCCTCCAAACACCATCAAGTGGTTAGGCCCGT-3'
Protein context (NP_005449.5, residues 133-153): GVCPSVTSII[Ala143Val]ESLQGWNLVQ